The following is an entry in ClinVar:

ClinVar aggregate classification (germline): Uncertain significance. Review status: criteria provided, multiple submitters, no conflicts (2 of 4 stars). 2 submissions from 2 submitters: Uncertain significance (2). Last evaluated 2025-02-05.

Allele frequency attached by ClinVar (database versions not stated): ExAC 0.00002.
gnomAD v4.1: 3 of 1,612,880 alleles (0.00019%); highest among the groups gnomAD compares: Non-Finnish European, 0.00025%; no homozygotes.

Submissions (2):

Ambry Genetics
Classification: Uncertain significance. Last evaluated: 2025-02-05. Review status: criteria provided, single submitter. Criteria: Ambry Variant Classification Scheme 2023. Collection method: clinical testing. Allele origin: germline.

Labcorp Genetics (formerly Invitae), Labcorp
Classification: Uncertain significance. Last evaluated: 2021-10-20. Review status: criteria provided, single submitter. Criteria: Invitae Variant Classification Sherloc (09022015). Collection method: clinical testing. Allele origin: germline.
Comment: This variant has not been reported in the literature in individuals affected with SORL1-related conditions. Algorithms developed to predict the effect of missense changes on protein structure and function are either unavailable or do not agree on the potential impact of this missense change (SIFT: "Tolerated"; PolyPhen-2: "Possibly Damaging"; Align-GVGD: "Class C0"). In summary, the available evidence is currently insufficient to determine the role of this variant in disease. Therefore, it has been classified as a Variant of Uncertain Significance. This sequence change replaces proline with threonine at codon 885 of the SORL1 protein (p.Pro885Thr). The proline residue is highly conserved and there is a small physicochemical difference between proline and threonine. This variant is present in population databases (rs760408510, ExAC 0.003%).

NM_003105.6(SORL1):c.2653C>A (p.Pro885Thr)

Gene: SORL1 (sortilin related receptor 1; plus strand). Cytogenetic location: 11q24.1.
Variant type: single nucleotide variant.
Coding change: c.2653C>A on transcript NM_003105.6 (MANE Select); coding-DNA position 2653, C replaced by A.
Protein change: p.Pro885Thr; replaces proline 885 with threonine.
Molecular consequence: missense variant.
Genome position (GRCh38, 1-based): chr11:121,557,395, C>A. VCF-style: chr11-121557395-C-A. GRCh37 (hg19) VCF-style: chr11-121428104-C-A.
Other names: c.2653C>A (NM_003105.5); short protein forms P885T.
Identifiers: ClinVar variation 1477547 (VCV001477547.7), dbSNP rs760408510, ClinGen allele CA6329015.